The following is an entry in ClinVar:

ClinVar aggregate classification (germline): Uncertain significance (1 of 4 stars; one submission).

Conditions:
Hereditary cancer-predisposing syndrome. Also called: Neoplastic Syndromes, Hereditary; Hereditary Cancer Syndrome; Hereditary neoplastic syndrome; Tumor predisposition. Identifiers: Orphanet 140162, MedGen C0027672, MeSH D009386, MONDO:0015356.

Submission:

Ambry Genetics
Classification: Uncertain significance for Hereditary cancer-predisposing syndrome. Last evaluated: 2023-04-19. Review status: criteria provided, single submitter. Criteria: Ambry Variant Classification Scheme 2023. Collection method: clinical testing. Allele origin: germline.
Comment: The p.Q607P variant (also known as c.1820A>C), located in coding exon 6 of the AXIN2 gene, results from an A to C substitution at nucleotide position 1820. The glutamine at codon 607 is replaced by proline, an amino acid with similar properties. This amino acid position is conserved. In addition, this alteration is predicted to be tolerated by in silico analysis. Since supporting evidence is limited at this time, the clinical significance of this alteration remains unclear.

NM_004655.4(AXIN2):c.1820A>C (p.Gln607Pro)

Gene: AXIN2 (axin 2; minus strand). Cytogenetic location: 17q24.1.
Variant type: single nucleotide variant.
Coding change: c.1820A>C on transcript NM_004655.4 (MANE Select); coding-DNA position 1820, A replaced by C.
Protein change: p.Gln607Pro; replaces glutamine 607 with proline.
Molecular consequence: missense variant. On other transcripts: intron variant (1).
Genome position (GRCh38, 1-based): chr17:65,536,956, T>G on the plus strand (A>C on the coding strand, the complement: AXIN2 is on the minus strand). VCF-style: chr17-65536956-T-G. GRCh37 (hg19) VCF-style: chr17-63533074-T-G.
Other names: c.1712+368A>C (NM_001363813.1); short protein forms Q607P.
Identifiers: ClinVar variation 2566120 (VCV002566120.2), dbSNP rs2509407609, ClinGen allele CA400676563.